The following is an entry in ClinVar:

NM_001875.5(CPS1):c.2465dup (p.Thr824fs)

Gene: CPS1 (carbamoyl-phosphate synthase 1; plus strand). Cytogenetic location: 2q34.
Variant type: Duplication.
Coding change: c.2465dup on transcript NM_001875.5 (MANE Select); coding-DNA position 2465, one base duplicated (G; older notation c.2465dupG).
Protein change: p.Thr824fs; shifts the reading frame from threonine 824.
Molecular consequence: frameshift variant. On other transcripts: non-coding transcript variant (2).
Genome position (GRCh38, 1-based): chr2:210,612,190, G duplicated; the last of 2 consecutive G bases (chr2:210,612,189-210,612,190); duplicating either gives the same sequence. VCF-style (leftmost placement, unchanged base first): chr2-210612188-A-AG. GRCh37 (hg19) VCF-style: chr2-211476912-A-AG.
Other names: c.2465dup, p.Thr824fs (NM_001122633.3, NM_001369257.1); c.2498dup, p.Thr835fs (NM_001369256.1); short protein forms T824fs, T835fs.
Identifiers: ClinVar variation 5011866 (VCV005011866.1).

ClinVar aggregate classification (germline): Pathogenic (1 of 4 stars; one submission).

Conditions:
Congenital hyperammonemia, type I. Also called: CPS I DEFICIENCY; Carbamoyl phosphate synthetase 1 deficiency; Hyperammonemia due to carbamoyl phosphate synthetase 1 deficiency; CPS 1 deficiency; Carbamyl phosphate synthetase (CPS) deficiency; Carbamoyl phosphate synthetase I deficiency disease. Identifiers: Orphanet 147, MedGen C4082171, MONDO:0009376, OMIM 237300.

Submission:

Myriad Genetics, Inc.
Classification: Pathogenic for Congenital hyperammonemia, type I. Last evaluated: 2023-09-27. Review status: criteria provided, single submitter. Criteria: Myriad Autosomal Dominant, Autosomal Recessive and X-Linked Classification Criteria (2023). Collection method: clinical testing. Allele origin: unknown.
Comment: NM_001875.4(CPS1):c.2465dupG(T824Hfs*13) is expected to be pathogenic in the context of carbamoylphosphate synthetase I deficiency. This variant is predicted to lead to an abnormal or absent protein product due to the creation of a premature termination codon in CPS1, a gene where loss-of-function variants are known to be pathogenic. Please note: this variant was assessed in the context of healthy population screening.